The following is an entry in ClinVar:

ClinVar aggregate classification (germline): Likely benign. Review status: criteria provided, multiple submitters, no conflicts (2 of 4 stars). 3 submissions from 3 submitters: Likely benign (3). Last evaluated 2024-05-21.

Conditions:
Hereditary cancer-predisposing syndrome. Also called: Hereditary Cancer Syndrome; Hereditary neoplastic syndrome; Neoplastic Syndromes, Hereditary; Tumor predisposition. Identifiers: Orphanet 140162, MedGen C0027672, MeSH D009386, MONDO:0015356.
Familial cancer of breast. Also called: hereditary breast carcinoma; BREAST CANCER, FAMILIAL; Hereditary breast cancer. Identifiers: Orphanet 227535, MedGen C0346153, MONDO:0016419, OMIM 114480. Disease mechanism: loss of function.
Ataxia-telangiectasia syndrome (AT). Also called: Ataxia-telangiectasia, complementation group E; LOUIS-BAR SYNDROME; Cerebello-oculocutaneous telangiectasia; Immunodeficiency with ataxia telangiectasia; Ataxia-telangiectasia, complementation group D; AT, COMPLEMENTATION GROUP C. Identifiers: Orphanet 100, MedGen C0004135, MONDO:0008840, OMIM 208900.

Submissions (3):

Myriad Genetics, Inc.
Classification: Likely benign for Familial cancer of breast. Last evaluated: 2024-05-21. Review status: criteria provided, single submitter. Criteria: Myriad Autosomal Dominant, Autosomal Recessive and X-Linked Classification Criteria (2023). Collection method: clinical testing. Allele origin: unknown.
Comment: This variant is considered likely benign. This variant is intronic and is not expected to impact mRNA splicing.

Labcorp Genetics (formerly Invitae), Labcorp
Classification: Likely benign for Ataxia-telangiectasia syndrome. Last evaluated: 2022-10-24. Review status: criteria provided, single submitter. Criteria: Invitae Variant Classification Sherloc (09022015). Collection method: clinical testing. Allele origin: germline.

Color Diagnostics, LLC DBA Color Health
Classification: Likely benign for Hereditary cancer-predisposing syndrome. Last evaluated: 2018-12-11. Review status: criteria provided, single submitter. Criteria: ACMG Guidelines, 2015. Collection method: clinical testing. Allele origin: germline.

NM_000051.4(ATM):c.4777-16A>G

Gene: ATM (ATM serine/threonine kinase; plus strand). Cytogenetic location: 11q22.3.
Variant type: single nucleotide variant.
Coding change: c.4777-16A>G on transcript NM_000051.4 (MANE Select); 16 bases into the intron before coding-DNA position 4777, A replaced by G.
Molecular consequence: intron variant.
Genome position (GRCh38, 1-based): chr11:108,294,911, A>G. VCF-style: chr11-108294911-A-G. GRCh37 (hg19) VCF-style: chr11-108165638-A-G.
Other names: c.4777-16A>G (NM_001351834.2).
Identifiers: ClinVar variation 919003 (VCV000919003.8), dbSNP rs942981609, ClinGen allele CA913188394.